The following is an entry in ClinVar:

NM_017780.4(CHD7):c.4213C>T (p.Gln1405Ter)

Gene: CHD7 (chromodomain helicase DNA binding protein 7; plus strand). Cytogenetic location: 8q12.2.
Variant type: single nucleotide variant.
Coding change: c.4213C>T on transcript NM_017780.4 (MANE Select); coding-DNA position 4213, C replaced by T.
Protein change: p.Gln1405Ter; replaces glutamine 1405 with a stop codon.
Molecular consequence: nonsense. On other transcripts: intron variant (1).
Genome position (GRCh38, 1-based): chr8:60,837,695, C>T. VCF-style: chr8-60837695-C-T. GRCh37 (hg19) VCF-style: chr8-61750254-C-T.
Other names: c.1717-24534C>T (NM_001316690.1); short protein forms Q1405*.
Identifiers: ClinVar variation 3041909 (VCV003041909.2), dbSNP rs2487910301, ClinGen allele CA371317704.

ClinVar aggregate classification (germline): Pathogenic (0 of 4 stars; one submission).

Conditions:
CHD7-related disorder. Also called: CHD7-related condition.

Submission:

PreventionGenetics, part of Exact Sciences
Classification: Pathogenic for CHD7-related condition. Last evaluated: 2024-01-15. Review status: no assertion criteria provided. Collection method: clinical testing. Allele origin: germline.
Comment: The CHD7 c.4213C>T variant is predicted to result in premature protein termination (p.Gln1405*). This variant has been reported in multiple individuals with CHARGE syndrome and in one individual it was found to be de novo (Table S1, Janssen et al. 2012. PubMed ID: 22461308). This variant has not been reported in a large population database, indicating this variant is rare. Nonsense variants in CHD7 are expected to be pathogenic. This variant is interpreted as pathogenic.